The following is an entry in ClinVar:

ClinVar aggregate classification (germline): Uncertain significance (1 of 4 stars; one submission).

Conditions:
C3 glomerulonephritis. Also called: C3 GLOMERULOPATHY 3; Nephropathy due to CFHR5 Deficiency. Identifiers: Orphanet 329931, MedGen C4055342, MONDO:0013892, OMIM 614809.
Atypical hemolytic-uremic syndrome. Identifiers: Orphanet 2134, MedGen C2931788, MONDO:0016244.
Complement component 3 deficiency. Identifiers: Orphanet 280133, MedGen C3151071, MONDO:0013417, OMIM 613779.

gnomAD v4.1: 4 of 1,614,132 alleles (0.00025%); highest among the groups gnomAD compares: East Asian, 0.0045%; no homozygotes.

Submission:

Genomenon, Inc
Classification: Uncertain significance for Complement component 3 deficiency; C3 glomerulonephritis; Atypical hemolytic-uremic syndrome. Last evaluated: 2026-09-17. Review status: criteria provided, single submitter. Criteria: Genomenon Sequence Variant Interpretation Standards - Updated. Collection method: curation. Allele origin: germline. Affected: no.
Comment: C3 p.Gly1038Ser (c.3112G>A) is a missense variant that changes the amino acid at codon 1038 from Glycine to Serine. This variant has been reported in the published literature (PMID:39917338;34330731). It is absent or not present at a significant frequency in gnomAD. In silico models predict that this variant is not damaging. In conclusion, we classify C3 p.Gly1038Ser (c.3112G>A) as a variant of uncertain significance.

Literature cited by the submitters: PubMed 39917338; PubMed 34330731.

NM_000064.4(C3):c.3112G>A (p.Gly1038Ser)

Gene: C3 (complement C3; minus strand). Cytogenetic location: 19p13.3.
Variant type: single nucleotide variant.
Coding change: c.3112G>A on transcript NM_000064.4 (MANE Select); coding-DNA position 3112, G replaced by A.
Protein change: p.Gly1038Ser; replaces glycine 1038 with serine.
Molecular consequence: missense variant.
Genome position (GRCh38, 1-based): chr19:6,694,473, C>T on the plus strand (G>A on the coding strand, the complement: C3 is on the minus strand). VCF-style: chr19-6694473-C-T. GRCh37 (hg19) VCF-style: chr19-6694484-C-T.
Other names: short protein forms G1038S.
Identifiers: ClinVar variation 4976827 (VCV004976827.1).
Genomic context (GRCh38, chr19:6,694,473, plus strand): 5'-GAGGGGCAGGGAGCCCACCCTTCTTGATGAGCTCCAAGGCCCCCTGCCGCTTCTCTAGGC[C>T]GAACTTCTCCCACTGCTCCGTTTCATCCAGGTAATGCACAGCGATGACCGTGGGCGTCAT-3'
Protein context (NP_000055.2, residues 1028-1048): LDETEQWEKF[Gly1038Ser]LEKRQGALEL